The following is an entry in ClinVar:

NM_001844.5(COL2A1):c.2744G>A (p.Gly915Glu)

Gene: COL2A1 (collagen type II alpha 1 chain; minus strand). Cytogenetic location: 12q13.11.
Variant type: single nucleotide variant.
Coding change: c.2744G>A on transcript NM_001844.5 (MANE Select); coding-DNA position 2744, G replaced by A.
Protein change: p.Gly915Glu; replaces glycine 915 with glutamic acid.
Molecular consequence: missense variant.
Genome position (GRCh38, 1-based): chr12:47,978,748, C>T on the plus strand (G>A on the coding strand, the complement: COL2A1 is on the minus strand). VCF-style: chr12-47978748-C-T. GRCh37 (hg19) VCF-style: chr12-48372531-C-T.
Other names: c.2537G>A, p.Gly846Glu (NM_033150.3); short protein forms G846E, G915E.
Identifiers: ClinVar variation 3777012 (VCV003777012.1).

ClinVar aggregate classification (germline): Likely pathogenic (1 of 4 stars; one submission).

Conditions:
Achondrogenesis type II (ACG2). Also called: ACHONDROGENESIS, LANGER-SALDINO TYPE; CHONDROGENESIS IMPERFECTA. Identifiers: Orphanet 932, Orphanet 93296, MedGen C0220685, MONDO:0008702, OMIM 200610.

Submission:

Department of Medical Genetics, Sanjay Gandhi Post Graduate Institute of Medical Sciences
Classification: Likely pathogenic for Achondrogenesis type II. Last evaluated: 2023-03-08. Review status: criteria provided, single submitter. Criteria: ACMG Guidelines, 2015. Collection method: research. Allele origin: de novo. Inheritance: Autosomal dominant inheritance. Affected: yes. Observed: 1 heterozygote.
Comment: The currently available evidence indicates that this variant is pathogenic, but additional data are needed for conclusive proof. Therefore, it has been classified as Likely Pathogenic. This variant disrupts the p.Gly915Glu amino acid residue in COL2A1, a site known to be clinically significant, as other variants affecting this residue have been observed in individuals with COL2A1-related conditions (PMID: 26626311). It specifically alters the triple helix domain of COL2A1, where glycine residues within the Gly-Xaa-Yaa repeats are essential for the structure and stability of fibrillar collagens (PMID: 7695699, 8218237). Variants affecting these glycine residues in COL2A1 are significantly enriched in individuals with disease (PMID: 9016532, 17078022) compared to the general population (ExAC). Predictive algorithms for missense changes on protein structure and function provide conflicting assessments (SIFT: "Deleterious"; PolyPhen-2: "Not Available". This variant has been observed in individuals with clinical features of autosomal dominant COL2A1-related conditions (Invitae) and is absent from population databases (gnomAD). Based on ACMG guidelines, it is currently classified as Likely Pathogenic (PM2, PP2, PP3).

Literature cited by the submitters: PubMed 9016532.